The following is an entry in ClinVar:

ClinVar aggregate classification (germline): Likely pathogenic (1 of 4 stars; one submission).

Submission:

GeneDx
Classification: Likely pathogenic. Last evaluated: 2025-07-18. Review status: criteria provided, single submitter. Criteria: GeneDx Variant Classification Process June 2021. Collection method: clinical testing. Allele origin: germline. Affected: yes.
Comment: Frameshift variant predicted to result in protein truncation or nonsense mediated decay in a gene for which loss of function is a known mechanism of disease; Not observed at significant frequency in large population cohorts (gnomAD); Has not been previously published as pathogenic or benign to our knowledge

NM_001375524.1(TRRAP):c.3081_3087delinsTAAGGC (p.Met1027fs)

Gene: TRRAP (transformation/transcription domain associated protein; plus strand). Cytogenetic location: 7q22.1.
Variant type: Indel.
Coding change: c.3081_3087delinsTAAGGC on transcript NM_001375524.1 (MANE Select); coding-DNA positions 3081 to 3087, GTCTGCT replaced by TAAGGC.
Protein change: p.Met1027fs; shifts the reading frame from methionine 1027.
Molecular consequence: frameshift variant.
Genome position (GRCh38, 1-based): chr7:98,927,272-98,927,278, GTCTGCT replaced by TAAGGC. VCF-style: chr7-98927272-GTCTGCT-TAAGGC. GRCh37 (hg19) VCF-style: chr7-98524895-GTCTGCT-TAAGGC.
Other names: c.3081_3087delinsTAAGGC, p.Met1027fs (NM_001244580.2, NM_003496.4); short protein forms M1027fs.
Identifiers: ClinVar variation 2574299 (VCV002574299.2), dbSNP rs2484765932, ClinGen allele CA2580615949.